The following is an entry in ClinVar:

ClinVar aggregate classification (germline): Pathogenic (1 of 4 stars; one submission).

Conditions:
Leber congenital amaurosis 8 (LCA8). Identifiers: Orphanet 65, MedGen C3151202, MONDO:0013453, OMIM 613835.
Retinitis pigmentosa 12 (RP12). Also called: RP WITH OR WITHOUT PPRPE; RP WITH OR WITHOUT PRESERVED PARAARTERIOLE RETINAL PIGMENT EPITHELIUM; RETINITIS PIGMENTOSA WITH OR WITHOUT PARAARTERIOLAR PRESERVATION OF RETINAL PIGMENT EPITHELIUM. Identifiers: Orphanet 791, MedGen C1838647, MONDO:0010818, OMIM 600105.

Submission:

Labcorp Genetics (formerly Invitae), Labcorp
Classification: Pathogenic for Leber congenital amaurosis 8; Retinitis pigmentosa 12. Last evaluated: 2025-05-20. Review status: criteria provided, single submitter. Criteria: Invitae Variant Classification Sherloc (09022015). Collection method: clinical testing. Allele origin: germline.
Comment: This sequence change creates a premature translational stop signal (p.Ser307*) in the CRB1 gene. It is expected to result in an absent or disrupted protein product. Loss-of-function variants in CRB1 are known to be pathogenic (PMID: 10508521, 22065545, 23379534, 25412400, 26957898, 28041643, 29391521). This variant is not present in population databases (gnomAD no frequency). This variant has not been reported in the literature in individuals affected with CRB1-related conditions. For these reasons, this variant has been classified as Pathogenic.

Literature cited by the submitters: PubMed 10508521; PubMed 22065545; PubMed 23379534; PubMed 25412400; PubMed 26957898; PubMed 28041643; PubMed 29391521.

NM_201253.3(CRB1):c.920C>G (p.Ser307Ter)

Gene: CRB1 (crumbs cell polarity complex component 1; plus strand). Cytogenetic location: 1q31.3.
Variant type: single nucleotide variant.
Coding change: c.920C>G on transcript NM_201253.3 (MANE Select); coding-DNA position 920, C replaced by G.
Protein change: p.Ser307Ter; replaces serine 307 with a stop codon.
Molecular consequence: nonsense. On other transcripts: non-coding transcript variant (2), intron variant (1).
Genome position (GRCh38, 1-based): chr1:197,347,411, C>G. VCF-style: chr1-197347411-C-G. GRCh37 (hg19) VCF-style: chr1-197316541-C-G.
Other names: c.713C>G, p.Ser238Ter (NM_001257965.2); c.920C>G, p.Ser307Ter (NM_001257966.2); c.653-9420C>G (NM_001193640.2); short protein forms S307*, S238*.
Identifiers: ClinVar variation 4791016 (VCV004791016.1).
Genomic context (GRCh38, chr1:197,347,411, plus strand): 5'-ACTGCACGGGTAGTGGATTCACAGGGACACACTGTGAGACCTTGATGCCTCTTTGTTGGT[C>G]AAAACCTTGTCACAATAATGCTACATGTGAGGACAGTGTTGACAATTACACTTGTCACTG-3'